The following is an entry in ClinVar:

ClinVar aggregate classification (germline): Benign/Likely benign. Review status: criteria provided, multiple submitters, no conflicts (2 of 4 stars). 3 submissions from 3 submitters: Benign (1); Likely benign (2). Last evaluated 2026-01-14.

Allele frequency attached by ClinVar (database versions not stated): TOPMed 0.00002; gnomAD exomes 0.00004 and 0.00005; gnomAD 0.00005; ExAC 0.00007.
gnomAD v4.1: 60 of 1,207,119 alleles (0.005%); highest among the groups gnomAD compares: Middle Eastern, 0.023%; 2 homozygotes.

Submissions (3):

Labcorp Genetics (formerly Invitae), Labcorp
Classification: Benign. Last evaluated: 2026-01-14. Review status: criteria provided, single submitter. Criteria: Invitae Variant Classification Sherloc (09022015). Collection method: clinical testing. Allele origin: germline.

Blueprint Genetics
Classification: Likely benign. Last evaluated: 2024-09-08. Review status: criteria provided, single submitter. Criteria: ACMG Guidelines, 2015. Collection method: clinical testing. Allele origin: germline.

CeGaT Center for Human Genetics Tuebingen
Classification: Likely benign. Last evaluated: 2022-12-01. Review status: criteria provided, single submitter. Criteria: CeGaT Center For Human Genetics Tuebingen Variant Classification Criteria Version 2. Collection method: clinical testing. Allele origin: germline. Affected: yes. Observed: 2 variant alleles.
Comment: CHM: BP4, BP7, BS2

NM_000390.4(CHM):c.1758T>C (p.Asn586=)

Gene: CHM (CHM Rab escort protein; minus strand). Cytogenetic location: Xq21.2.
Variant type: single nucleotide variant.
Coding change: c.1758T>C on transcript NM_000390.4 (MANE Select); coding-DNA position 1758, T replaced by C.
Protein change: p.Asn586=; no amino-acid change (asparagine 586 retained).
Molecular consequence: synonymous variant.
Genome position (GRCh38, 1-based): chrX:85,873,064, A>G on the plus strand (T>C on the coding strand, the complement: CHM is on the minus strand). VCF-style: chrX-85873064-A-G. GRCh37 (hg19) VCF-style: chrX-85128069-A-G.
Other names: c.1314T>C, p.Asn438= (NM_001320959.1, NM_001362517.1, NM_001362518.2 and 1 more transcripts).
Identifiers: ClinVar variation 1164461 (VCV001164461.34), dbSNP rs757386474, ClinGen allele CA10465318.